The following is an entry in ClinVar:

ClinVar aggregate classification (germline): Conflicting classifications of pathogenicity. Review status: criteria provided, conflicting classifications (1 of 4 stars). 5 submissions from 5 submitters: Likely pathogenic (1); Uncertain significance (3). 1 of the submissions does not count toward it. Last evaluated 2025-07-02.

Conditions:
Wilson disease (WND). Also called: Wilson's disease. Identifiers: Orphanet 905, MedGen C0019202, MONDO:0010200, OMIM 277900. Disease mechanism: loss of function.

Allele frequency attached by ClinVar (database versions not stated): gnomAD exomes 0.00001 and 0.00002; TOPMed 0.00001; ExAC 0.00002; gnomAD 0.00003.
gnomAD v4.1: 5 of 1,613,976 alleles (0.00031%); highest among the groups gnomAD compares: East Asian, 0.011%; no homozygotes.

Submissions (5):

Natera, Inc.
Classification: Likely pathogenic for Wilson disease. Last evaluated: 2025-07-02. Review status: criteria provided, single submitter. Criteria: Natera Variant Classification Schema (03/2026). Collection method: clinical testing. Allele origin: germline.
Comment: The c.3426G>C variant in ATP7B is a missense variant predicted to cause substitution of glutamine to histidine at amino acid 1142. This variant is rare in the general population with a frequency below the threshold expected for the associated phenotype(s). This variant has been observed in one or more individuals affected with the associated recessive disease, as either homozygous or compound heterozygous with a second variant (PMID: 11043508, 11405812, 26483271). This variant has been identified in one or more affected individuals with a phenotype highly consistent with the associated gene (PMID: 11043508, 11405812, 26483271). This variant has been found together with another disease-causing variant in the same copy of the gene (PMID: 35222532, 21796144, 18034201, 23518715). Multiple computational prediction algorithms suggest this variant is unlikely to affect gene or protein function. Given the available evidence, this variant is classified as Likely Pathogenic.

Women's Health and Genetics/Laboratory Corporation of America, LabCorp
Classification: Uncertain significance. Last evaluated: 2023-09-28. Review status: criteria provided, single submitter. Criteria: LabCorp Variant Classification Summary - May 2015. Collection method: clinical testing. Allele origin: germline.
Comment: Variant summary: ATP7B c.3426G>C (p.Gln1142His) results in a non-conservative amino acid change located in the P-type ATPase, haloacid dehalogenase domain (IPR044492) of the encoded protein sequence. Three of five in-silico tools predict a benign effect of the variant on protein function. The variant allele was found at a frequency of 1.6e-05 in 249588 control chromosomes (gnomAD). The available data on variant occurrences in the general population are insufficient to allow any conclusion about variant significance. c.3426G>C has been reported in the literature in individuals, particularly of Eastern Asian descent, affected with Wilson Disease; however, a lot of the studies (especially recent ones with comprehensively genotyped patients), report the variant to co-occur in cis with the known pathogenic variant c.3443T>C (p.Ile1148Thr) (e.g. Tsai_1998, Lee_200, Wu_2001, Wu_2003, Mak_2008, Wang_2011, Coffey_2013, Dong_2016, Poon_2016, Hou_2022, Li_2021_Zhang_2022). In support of this observation, control data indicate these two variants are likely found on the same haplotype in most individuals in gnomAD. These data do not allow any conclusion about the significance of the p.Gln1142His variant on its own. To our knowledge, no experimental evidence demonstrating an impact on protein function has been reported. The following publications have been ascertained in the context of this evaluation (PMID: 23518715, 27022412, 35079019, 11043508, 18034201, 26483271, 9829905, 21796144, 11405812, 12756138, 34470610, 35220961). Two ClinVar submitters (evaluation after 2014) cite the variant as uncertain significance and one ClinVar submitter (evaluation after 2014) cites it as likely pathogenic. Based on the evidence outlined above, the variant was classified as uncertain significance.

Genome-Nilou Lab
Classification: Uncertain significance for Wilson disease. Last evaluated: 2021-08-10. Review status: criteria provided, single submitter. Criteria: ACMG Guidelines, 2015. Collection method: clinical testing. Allele origin: germline. Affected: no.

Labcorp Genetics (formerly Invitae), Labcorp
Classification: Uncertain significance for Wilson disease. Last evaluated: 2020-03-09. Review status: criteria provided, single submitter. Criteria: Invitae Variant Classification Sherloc (09022015). Collection method: clinical testing. Allele origin: germline.
Comment: This sequence change replaces glutamine with histidine at codon 1142 of the ATP7B protein (p.Gln1142His). The glutamine residue is weakly conserved and there is a small physicochemical difference between glutamine and histidine. This variant is present in population databases (rs778749563, ExAC 0.03%). This variant has been observed on the opposite chromosome (in trans) from a pathogenic variant in an individual affected with Wilson disease (PMID:¬†11405812). This finding is consistent with autosomal recessive inheritance, and suggests that this variant contributes to disease. It has also been reported in other unrelated affected individuals (PMID: 26483271, 11043508, 9829905) although in some of these individuals another variant was identified in the same allele. ClinVar contains an entry for this variant (Variation ID: 370151). Algorithms developed to predict the effect of missense changes on protein structure and function output the following: SIFT: "Tolerated"; PolyPhen-2: "Benign"; Align-GVGD: "Class C0". The histidine amino acid residue is found in multiple mammalian species, suggesting that this missense change does not adversely affect protein function. These predictions have not been confirmed by published functional studies and their clinical significance is uncertain. In summary, the available evidence is currently insufficient to determine the role of this variant in disease. Therefore, it has been classified as a Variant of Uncertain Significance.

Counsyl
Classification: Likely pathogenic for Wilson disease. Last evaluated: 2015-12-02. Review status: no assertion criteria provided. Collection method: clinical testing. Allele origin: unknown. Not counted in ClinVar's aggregate classification.

Literature cited by the submitters: PubMed 11043508 (cited by 4 submitters); PubMed 11405812 (cited by 3 submitters); PubMed 26483271 (cited by 4 submitters); PubMed 35222532 (cited by Natera, Inc.); PubMed 21796144 (cited by 3 submitters); PubMed 18034201 (cited by 3 submitters); PubMed 23518715 (cited by 3 submitters); PubMed 27022412 (cited by Women's Health and Genetics/Laboratory Corporation of America, LabCorp); PubMed 9829905 (cited by Women's Health and Genetics/Laboratory Corporation of America, LabCorp and Labcorp Genetics (formerly Invitae), Labcorp); PubMed 34470610 (cited by Women's Health and Genetics/Laboratory Corporation of America, LabCorp); PubMed 35079019 (cited by Women's Health and Genetics/Laboratory Corporation of America, LabCorp); PubMed 12756138 (cited by Women's Health and Genetics/Laboratory Corporation of America, LabCorp); PubMed 35220961 (cited by Women's Health and Genetics/Laboratory Corporation of America, LabCorp); PubMed 22692182 (cited by Counsyl); PubMed 25089800 (cited by Counsyl); PubMed 24253677 (cited by Counsyl).

NM_000053.4(ATP7B):c.3426G>C (p.Gln1142His)

Gene: ATP7B (ATPase copper transporting beta; minus strand). Cytogenetic location: 13q14.3.
Variant type: single nucleotide variant.
Coding change: c.3426G>C on transcript NM_000053.4 (MANE Select); coding-DNA position 3426, G replaced by C.
Protein change: p.Gln1142His; replaces glutamine 1142 with histidine.
Molecular consequence: missense variant.
Genome position (GRCh38, 1-based): chr13:51,941,211, C>G on the plus strand (G>C on the coding strand, the complement: ATP7B is on the minus strand). VCF-style: chr13-51941211-C-G. GRCh37 (hg19) VCF-style: chr13-52515347-C-G.
Other names: c.2805G>C, p.Gln935His (NM_001005918.3); c.3093G>C, p.Gln1031His (NM_001243182.2); c.3192G>C, p.Gln1064His (NM_001330578.2); c.3174G>C, p.Gln1058His (NM_001330579.2); short protein forms Q1142H, Q935H, Q1058H, Q1064H, Q1031H.
Identifiers: ClinVar variation 370151 (VCV000370151.12), dbSNP rs778749563, ClinGen allele CA6988685.